The following is an entry in ClinVar:

ClinVar aggregate classification (germline): Likely benign. Review status: criteria provided, multiple submitters, no conflicts (2 of 4 stars). 2 submissions from 2 submitters: Likely benign (2). Last evaluated 2025-06-05.

Conditions:
Tuberous sclerosis 2 (TSC2). Identifiers: Orphanet 805, MedGen C1860707, MONDO:0013199, OMIM 613254.

Allele frequency attached by ClinVar (database versions not stated): gnomAD exomes below 0.00001.
gnomAD v4.1: 1 of 1,574,442 alleles (0.000064%); highest among the groups gnomAD compares: East Asian, 0.0024%; no homozygotes.

Submissions (2):

Myriad Genetics, Inc.
Classification: Likely benign for Tuberous sclerosis 2. Last evaluated: 2025-06-05. Review status: criteria provided, single submitter. Criteria: Myriad Autosomal Dominant, Autosomal Recessive and X-Linked Classification Criteria (2023). Collection method: clinical testing. Allele origin: unknown.
Comment: This variant is considered likely benign. This variant is intronic and is not expected to impact mRNA splicing.

Labcorp Genetics (formerly Invitae), Labcorp
Classification: Likely benign for Tuberous sclerosis 2. Last evaluated: 2022-09-06. Review status: criteria provided, single submitter. Criteria: Invitae Variant Classification Sherloc (09022015). Collection method: clinical testing. Allele origin: germline.

NM_000548.5(TSC2):c.4989+9G>C

Gene: TSC2 (TSC complex subunit 2; plus strand). Cytogenetic location: 16p13.3.
Variant type: single nucleotide variant.
Coding change: c.4989+9G>C on transcript NM_000548.5 (MANE Select); 9 bases into the intron after coding-DNA position 4989, G replaced by C.
Molecular consequence: intron variant.
Genome position (GRCh38, 1-based): chr16:2,086,880, G>C. VCF-style: chr16-2086880-G-C. GRCh37 (hg19) VCF-style: chr16-2136881-G-C.
Other names: c.4920+9G>C (NM_001114382.3); c.4860+9G>C (NM_021055.3, NM_001370405.1); c.4791+9G>C (NM_001363528.2); c.4857+9G>C (NM_001370404.1); c.4788+9G>C (NM_001077183.3); c.4680+9G>C (NM_001318827.2); c.4257+9G>C (NM_001318831.2); c.4644+9G>C (NM_001318829.2); and 1 more.
Identifiers: ClinVar variation 771263 (VCV000771263.10), dbSNP rs1332919495, ClinGen allele CA915946316.